The following is an entry in ClinVar:

ClinVar aggregate classification (germline): Uncertain significance. Review status: criteria provided, multiple submitters, no conflicts (2 of 4 stars). 2 submissions from 2 submitters: Uncertain significance (2). Last evaluated 2022-02-10.

Submissions (2):

Labcorp Genetics (formerly Invitae), Labcorp
Classification: Uncertain significance. Last evaluated: 2022-02-10. Review status: criteria provided, single submitter. Criteria: Invitae Variant Classification Sherloc (09022015). Collection method: clinical testing. Allele origin: germline.
Comment: This sequence change replaces methionine, which is neutral and non-polar, with leucine, which is neutral and non-polar, at codon 453 of the RINT1 protein (p.Met453Leu). This variant is not present in population databases (gnomAD no frequency). This variant has not been reported in the literature in individuals affected with RINT1-related conditions. ClinVar contains an entry for this variant (Variation ID: 949889). Algorithms developed to predict the effect of missense changes on protein structure and function (SIFT, PolyPhen-2, Align-GVGD) all suggest that this variant is likely to be tolerated. In summary, the available evidence is currently insufficient to determine the role of this variant in disease. Therefore, it has been classified as a Variant of Uncertain Significance.

Ambry Genetics
Classification: Uncertain significance. Last evaluated: 2021-11-09. Review status: criteria provided, single submitter. Criteria: Ambry Variant Classification Scheme 2023. Collection method: clinical testing. Allele origin: germline.

NM_021930.6(RINT1):c.1357A>T (p.Met453Leu)

Gene: RINT1 (RAD50 interactor 1; plus strand). Cytogenetic location: 7q22.3.
Variant type: single nucleotide variant.
Coding change: c.1357A>T on transcript NM_021930.6 (MANE Select); coding-DNA position 1357, A replaced by T.
Protein change: p.Met453Leu; replaces methionine 453 with leucine.
Molecular consequence: missense variant. On other transcripts: non-coding transcript variant (1).
Genome position (GRCh38, 1-based): chr7:105,551,593, A>T. VCF-style: chr7-105551593-A-T. GRCh37 (hg19) VCF-style: chr7-105192040-A-T.
Other names: c.1123A>T, p.Met375Leu (NM_001346599.2); c.334A>T, p.Met112Leu (NM_001346600.2, NM_001346603.2); c.433A>T, p.Met145Leu (NM_001346601.2); short protein forms M112L, M145L, M453L, M375L.
Identifiers: ClinVar variation 949889 (VCV000949889.8), dbSNP rs1184845991, ClinGen allele CA368809701.